The following is an entry in ClinVar:

NM_001101362.3(KBTBD13):c.876G>A (p.Pro292=)

Gene: KBTBD13 (kelch repeat and BTB domain containing 13; plus strand). Cytogenetic location: 15q22.31.
Variant type: single nucleotide variant.
Coding change: c.876G>A on transcript NM_001101362.3 (MANE Select); coding-DNA position 876, G replaced by A.
Protein change: p.Pro292=; no amino-acid change (proline 292 retained).
Molecular consequence: synonymous variant.
Genome position (GRCh38, 1-based): chr15:65,077,691, G>A. VCF-style: chr15-65077691-G-A. GRCh37 (hg19) VCF-style: chr15-65370029-G-A.
Identifiers: ClinVar variation 257457 (VCV000257457.7), dbSNP rs543905658, ClinGen allele CA7614006.

ClinVar aggregate classification (germline): Likely benign. Review status: criteria provided, multiple submitters, no conflicts (2 of 4 stars). 3 submissions from 3 submitters: Likely benign (3). Last evaluated 2024-07-08.

Conditions:
Nemaline myopathy 6 (NEM6). Also called: Nemaline myopathy 6, autosomal dominant. Identifiers: Orphanet 171439, MedGen C1836472, MONDO:0012237, OMIM 609273.

Allele frequency attached by ClinVar (database versions not stated): TOPMed 0.00001; gnomAD exomes 0.00002; ExAC 0.00003; gnomAD 0.00006; 1000 Genomes Project 30x 0.00031; 1000 Genomes Project 0.00100.
gnomAD v4.1: 25 of 1,577,454 alleles (0.0016%); highest among the groups gnomAD compares: East Asian, 0.0023%; no homozygotes.

Submissions (3):

Labcorp Genetics (formerly Invitae), Labcorp
Classification: Likely benign for Nemaline myopathy 6. Last evaluated: 2024-07-08. Review status: criteria provided, single submitter. Criteria: Invitae Variant Classification Sherloc (09022015). Collection method: clinical testing. Allele origin: germline.

Women's Health and Genetics/Laboratory Corporation of America, LabCorp
Classification: Likely benign. Last evaluated: 2023-11-21. Review status: criteria provided, single submitter. Criteria: LabCorp Variant Classification Summary - May 2015. Collection method: clinical testing. Allele origin: germline.
Comment: Variant summary: KBTBD13 c.876G>A alters a non-conserved nucleotide resulting in a synonymous change. Consensus agreement among computational tools predict no significant impact on normal splicing. However, these predictions have yet to be confirmed by functional studies. The variant allele was found at a frequency of 1.5e-05 in 195710 control chromosomes (gnomAD). The available data on variant occurrences in the general population are insufficient to allow any conclusion about variant significance. To our knowledge, no occurrence of c.876G>A in individuals affected with Nemaline Myopathy and no experimental evidence demonstrating its impact on protein function have been reported. One submitter has cited a clinical-significance assessment for this variant to ClinVar after 2014 and has classified the variant as likely benign. Based on the evidence outlined above, the variant was classified as likely benign.

PreventionGenetics, part of Exact Sciences
Classification: Likely benign. Review status: criteria provided, single submitter. Criteria: ACMG Guidelines, 2015. Collection method: clinical testing. Allele origin: germline.